The following is an entry in ClinVar:

NM_000218.3(KCNQ1):c.1251+248G>A

Gene: KCNQ1 (potassium voltage-gated channel subfamily Q member 1; plus strand). Cytogenetic location: 11p15.5.
Variant type: single nucleotide variant.
Coding change: c.1251+248G>A on transcript NM_000218.3 (MANE Select); 248 bases into the intron after coding-DNA position 1251, G replaced by A.
Molecular consequence: intron variant.
Genome position (GRCh38, 1-based): chr11:2,587,940, G>A. VCF-style: chr11-2587940-G-A. GRCh37 (hg19) VCF-style: chr11-2609170-G-A.
Other names: c.981+248G>A (NM_001406837.1); c.1155+248G>A (NM_001406836.1); c.711+248G>A (NM_001406838.1); c.870+248G>A (NM_181798.2).
Identifiers: ClinVar variation 679066 (VCV000679066.3), dbSNP rs73404698, ClinGen allele CA13500366.
Genomic context (GRCh38, chr11:2,587,940, plus strand): 5'-CGACTTGGGGGTATGTAGGACCGGTCATTCCAGGGCCAGGGCATGAGAGCTCCAGAGATA[G>A]AGCTCTGGGAGCAGGACGGGCTGGAAAGAAGGCTCTTCAGAGGGCCTCAGGGTTGGGCTT-3'

ClinVar aggregate classification (germline): Benign (1 of 4 stars; one submission).

Allele frequency attached by ClinVar (database versions not stated): gnomAD 0.05599 and 0.06011; 1000 Genomes Project 0.06310; TOPMed 0.06399; 1000 Genomes Project 30x 0.06652.
gnomAD v4.1: 8,439 of 152,190 alleles (5.5%); highest among the groups gnomAD compares: African/African-American, 19%; 763 homozygotes.

Submission:

GeneDx
Classification: Benign. Last evaluated: 2018-06-16. Review status: criteria provided, single submitter. Criteria: GeneDx Variant Classification (06012015). Collection method: clinical testing. Allele origin: germline. Affected: yes.
Comment: This variant is considered likely benign or benign based on one or more of the following criteria: it is a conservative change, it occurs at a poorly conserved position in the protein, it is predicted to be benign by multiple in silico algorithms, and/or has population frequency not consistent with disease.